The following is an entry in ClinVar:

NM_001734.5(C1S):c.1219G>A (p.Gly407Arg)

Gene: C1S (complement C1s; plus strand). Cytogenetic location: 12p13.31.
Variant type: single nucleotide variant.
Coding change: c.1219G>A on transcript NM_001734.5 (MANE Select); coding-DNA position 1219, G replaced by A.
Protein change: p.Gly407Arg; replaces glycine 407 with arginine.
Molecular consequence: missense variant.
Genome position (GRCh38, 1-based): chr12:7,068,479, G>A. VCF-style: chr12-7068479-G-A. GRCh37 (hg19) VCF-style: chr12-7175783-G-A.
Other names: c.718G>A, p.Gly240Arg (NM_001346850.2); c.1219G>A, p.Gly407Arg (NM_201442.4); short protein forms G240R, G407R.
Identifiers: ClinVar variation 4807425 (VCV004807425.1).

ClinVar aggregate classification (germline): Uncertain significance (1 of 4 stars; one submission).

gnomAD v4.1: 3 of 1,613,650 alleles (0.00019%); highest among the groups gnomAD compares: Non-Finnish European, 0.00017%; no homozygotes.

Submission:

Labcorp Genetics (formerly Invitae), Labcorp
Classification: Uncertain significance. Last evaluated: 2025-03-10. Review status: criteria provided, single submitter. Criteria: Invitae Variant Classification Sherloc (09022015). Collection method: clinical testing. Allele origin: germline.
Comment: This sequence change replaces glycine, which is neutral and non-polar, with arginine, which is basic and polar, at codon 407 of the C1S protein (p.Gly407Arg). This variant is present in population databases (no rsID available, gnomAD 0.003%). This variant has not been reported in the literature in individuals affected with C1S-related conditions. Invitae Evidence Modeling of protein sequence and biophysical properties (such as structural, functional, and spatial information, amino acid conservation, physicochemical variation, residue mobility, and thermodynamic stability) indicates that this missense variant is not expected to disrupt C1S protein function with a negative predictive value of 80%. In summary, the available evidence is currently insufficient to determine the role of this variant in disease. Therefore, it has been classified as a Variant of Uncertain Significance.